The following is an entry in ClinVar:

NM_004036.5(ADCY3):c.927C>G (p.Thr309=)

Gene: ADCY3 (adenylate cyclase 3; minus strand). Cytogenetic location: 2p23.3.
Variant type: single nucleotide variant.
Coding change: c.927C>G on transcript NM_004036.5 (MANE Select); coding-DNA position 927, C replaced by G.
Protein change: p.Thr309=; no amino-acid change (threonine 309 retained).
Molecular consequence: synonymous variant.
Genome position (GRCh38, 1-based): chr2:24,842,283, G>C on the plus strand (C>G on the coding strand, the complement: ADCY3 is on the minus strand). VCF-style: chr2-24842283-G-C. GRCh37 (hg19) VCF-style: chr2-25065152-G-C.
Other names: c.927C>G, p.Thr309= (NM_001320613.2, NM_001377128.1, NM_001377129.1 and 2 more transcripts); c.204C>G, p.Thr68= (NM_001377131.1).
Identifiers: ClinVar variation 3045276 (VCV003045276.2), dbSNP rs560091520, ClinGen allele CA1554361.
Genomic context (GRCh38, chr2:24,842,283, plus strand): 5'-CCATCAGAGCCCGCGCCCCGGGCCGGCGTACCTGACGTTCTCGTGACGGTACATGTACAT[G>C]GTGTTGAACTGCTGCTGGTCCTTCTGGCTCTCGTCTTTCTTCATGTCTTTCAGCATCTCG-3'
Protein context (NP_004027.2, residues 299-319): ESQKDQQQFN[Thr309=]MYMYRHENVS

ClinVar aggregate classification (germline): Likely benign (0 of 4 stars; one submission).

Conditions:
ADCY3-related disorder. Also called: ADCY3-related condition.

Allele frequency attached by ClinVar (database versions not stated): TOPMed 0.00001; gnomAD 0.00012; gnomAD exomes 0.00016; ExAC 0.00055; 1000 Genomes Project 30x 0.00125; 1000 Genomes Project 0.00140.
gnomAD v4.1: 258 of 1,614,132 alleles (0.016%); highest among the groups gnomAD compares: South Asian, 0.27%; 3 homozygotes.

Submission:

PreventionGenetics, part of Exact Sciences
Classification: Likely benign for ADCY3-related condition. Last evaluated: 2019-10-15. Review status: no assertion criteria provided. Collection method: clinical testing. Allele origin: germline.
Comment: This variant is classified as likely benign based on ACMG/AMP sequence variant interpretation guidelines (Richards et al. 2015 PMID: 25741868, with internal and published modifications).